The following is an entry in ClinVar:

ClinVar aggregate classification (germline): Uncertain significance (1 of 4 stars; one submission).

Allele frequency attached by ClinVar (database versions not stated): gnomAD exomes below 0.00001 and 0.00001.
gnomAD v4.1: 2 of 1,614,200 alleles (0.00012%); highest among the groups gnomAD compares: East Asian, 0.0045%; no homozygotes.

Submission:

GeneDx
Classification: Uncertain significance. Last evaluated: 2018-01-03. Review status: criteria provided, single submitter. Criteria: GeneDx Variant Classification (06012015). Collection method: clinical testing. Allele origin: germline. Affected: yes.
Comment: The c.2115+16 G>T variant has not been published as a pathogenic variant, nor has it been reported as a benign variant to our knowledge. The c.2115+16 G>T variant is observed in 3/17,248 (0.02%) alleles from individuals of East Asian background (Lek et al., 2016). Several in silico splice prediction models predict that c.2115+16 G>T creates a cryptic donor site which may supplant the natural donor site and lead to abnormal gene splicing. However, in the absence of RNA/functional studies, the actual effect of this sequence change in this individual is unknown. Therefore, based on the currently available information, it is unclear whether this variant is a pathogenic variant or a rare benign variant.

NM_000702.4(ATP1A2):c.2115+16G>T

Gene: ATP1A2 (ATPase Na+/K+ transporting subunit alpha 2; plus strand). Cytogenetic location: 1q23.2.
Variant type: single nucleotide variant.
Coding change: c.2115+16G>T on transcript NM_000702.4 (MANE Select); 16 bases into the intron after coding-DNA position 2115, G replaced by T.
Molecular consequence: intron variant.
Genome position (GRCh38, 1-based): chr1:160,135,311, G>T. VCF-style: chr1-160135311-G-T. GRCh37 (hg19) VCF-style: chr1-160105101-G-T.
Identifiers: ClinVar variation 489305 (VCV000489305.2), dbSNP rs1426409869, ClinGen allele CA526678364.